The following is an entry in ClinVar:

ClinVar aggregate classification (germline): Conflicting classifications of pathogenicity. Review status: criteria provided, conflicting classifications (1 of 4 stars). 5 submissions from 4 submitters: Uncertain significance (2); Likely benign (3). Last evaluated 2026-07-17.

Conditions:
Transitory neonatal diabetes mellitus. Also called: Transient neonatal diabetes mellitus. Identifiers: MedGen C0342273, MONDO:0020525, HP:0008255.
Inborn genetic diseases. Identifiers: MedGen C0950123, MeSH D030342.
Maturity-onset diabetes of the young (MODY). Also called: Maturity onset diabetes mellitus in young. Identifiers: Orphanet 552, MedGen C0342276, MONDO:0018911, HP:0004904.

Allele frequency attached by ClinVar (database versions not stated): TOPMed 0.00003; gnomAD 0.00004 and 0.00009; gnomAD exomes 0.00015; ExAC 0.00019; 1000 Genomes Project 0.00120; 1000 Genomes Project 30x 0.00125.
gnomAD v4.1: 90 of 1,614,226 alleles (0.0056%); highest among the groups gnomAD compares: South Asian, 0.063%; no homozygotes.

Submissions (5):

Ambry Genetics
Classification: Likely benign for Inborn genetic diseases. Last evaluated: 2026-07-17. Review status: criteria provided, single submitter. Criteria: Ambry Variant Classification Scheme 2023. Collection method: clinical testing. Allele origin: germline.

Labcorp Genetics (formerly Invitae), Labcorp
Classification: Likely benign. Last evaluated: 2026-01-19. Review status: criteria provided, single submitter. Criteria: Invitae Variant Classification Sherloc (09022015). Collection method: clinical testing. Allele origin: germline.

Blueprint Genetics
Classification: Likely benign. Last evaluated: 2024-01-25. Review status: criteria provided, single submitter. Criteria: ACMG Guidelines, 2015. Collection method: clinical testing. Allele origin: germline.

Clinical Genomics, Uppaluri K&H Personalized Medicine Clinic
Classification: Uncertain significance for Transitory neonatal diabetes mellitus. Review status: criteria provided, single submitter. Criteria: K & H Uppaluri Personalized Medicine Clinic Variant Classification & Assertion Criteria_Updated V.1. Collection method: research. Allele origin: unknown. Inheritance: Somatic mutation.
Comment: Mutations in ABCC8 gene are associated with both neonatal diabetes mellitus as well as MODY. Patients with this mutation may have a better response to sulfonylureas. However, no sufficient evidence is found to ascertain the role of this particular variant ( rs535141079) in neonatal diabetes yet.

Clinical Genomics, Uppaluri K&H Personalized Medicine Clinic
Classification: Uncertain significance for Maturity-onset diabetes of the young. Review status: criteria provided, single submitter. Criteria: K & H Uppaluri Personalized Medicine Clinic Variant Classification & Assertion Criteria_Updated V.1. Collection method: research. Allele origin: unknown. Inheritance: Somatic mutation.
Comment: Mutations in ABCC8 gene are associated with both neonatal diabetes mellitus as well as MODY. Patients with this mutation may have a better response to sulfonylureas. However, no sufficient evidence is found to ascertain the role of this particular variant ( rs535141079) in MODY yet.

Literature cited by the submitters: PubMed 16885549 (cited by Clinical Genomics, Uppaluri K&H Personalized Medicine Clinic); PubMed 21989597 (cited by Clinical Genomics, Uppaluri K&H Personalized Medicine Clinic); PubMed 27538677 (cited by Clinical Genomics, Uppaluri K&H Personalized Medicine Clinic); PubMed 18981553 (cited by Clinical Genomics, Uppaluri K&H Personalized Medicine Clinic); PubMed 32027066 (cited by Clinical Genomics, Uppaluri K&H Personalized Medicine Clinic); PubMed 16613899 (cited by Clinical Genomics, Uppaluri K&H Personalized Medicine Clinic); PubMed 18025408 (cited by Clinical Genomics, Uppaluri K&H Personalized Medicine Clinic); PubMed 32792356 (cited by Clinical Genomics, Uppaluri K&H Personalized Medicine Clinic).

NM_000352.6(ABCC8):c.735C>T (p.Ile245=)

Gene: ABCC8 (ATP binding cassette subfamily C member 8; minus strand). Cytogenetic location: 11p15.1.
Variant type: single nucleotide variant.
Coding change: c.735C>T on transcript NM_000352.6 (MANE Select); coding-DNA position 735, C replaced by T.
Protein change: p.Ile245=; no amino-acid change (isoleucine 245 retained).
Molecular consequence: synonymous variant. On other transcripts: non-coding transcript variant (1).
Genome position (GRCh38, 1-based): chr11:17,461,670, G>A on the plus strand (C>T on the coding strand, the complement: ABCC8 is on the minus strand). VCF-style: chr11-17461670-G-A. GRCh37 (hg19) VCF-style: chr11-17483217-G-A.
Other names: c.735C>T, p.Ile245= (NM_001287174.3, NM_001351295.2, NM_001351296.2 and 1 more transcripts); c.735C>T (NM_000352.3).
Identifiers: ClinVar variation 763901 (VCV000763901.14), dbSNP rs535141079, ClinGen allele CA5903791.